The following is an entry in ClinVar:

NM_030665.4(RAI1):c.2420C>T (p.Pro807Leu)

Gene: RAI1 (retinoic acid induced 1; plus strand). Cytogenetic location: 17p11.2.
Variant type: single nucleotide variant.
Coding change: c.2420C>T on transcript NM_030665.4 (MANE Select); coding-DNA position 2420, C replaced by T.
Protein change: p.Pro807Leu; replaces proline 807 with leucine.
Molecular consequence: missense variant.
Genome position (GRCh38, 1-based): chr17:17,795,368, C>T. VCF-style: chr17-17795368-C-T. GRCh37 (hg19) VCF-style: chr17-17698682-C-T.
Other names: short protein forms P807L.
Identifiers: ClinVar variation 2502540 (VCV002502540.1), dbSNP rs2508581435, ClinGen allele CA398550912.

ClinVar aggregate classification (germline): Uncertain significance (1 of 4 stars; one submission).

Allele frequency attached by ClinVar (database versions not stated): gnomAD exomes below 0.00001.
gnomAD v4.1: 1 of 1,595,004 alleles (0.000063%); highest among the groups gnomAD compares: Non-Finnish European, 0.000086%; no homozygotes.

Submission:

GeneDx
Classification: Uncertain significance. Last evaluated: 2022-11-21. Review status: criteria provided, single submitter. Criteria: GeneDx Variant Classification Process June 2021. Collection method: clinical testing. Allele origin: germline. Affected: yes.
Comment: Not observed at significant frequency in large population cohorts (gnomAD); In silico analysis supports that this missense variant has a deleterious effect on protein structure/function; Has not been previously published as pathogenic or benign to our knowledge